The following is an entry in ClinVar:

ClinVar aggregate classification (germline): Uncertain significance (1 of 4 stars; one submission).

Conditions:
Hereditary cancer-predisposing syndrome. Also called: Hereditary neoplastic syndrome; Tumor predisposition; Hereditary Cancer Syndrome; Neoplastic Syndromes, Hereditary. Identifiers: Orphanet 140162, MedGen C0027672, MeSH D009386, MONDO:0015356.

Submission:

Ambry Genetics
Classification: Uncertain significance for Hereditary cancer-predisposing syndrome. Last evaluated: 2023-09-03. Review status: criteria provided, single submitter. Criteria: Ambry Variant Classification Scheme 2023. Collection method: clinical testing. Allele origin: germline.
Comment: The p.P340R variant (also known as c.1019C>G), located in coding exon 6 of the FLCN gene, results from a C to G substitution at nucleotide position 1019. The proline at codon 340 is replaced by arginine, an amino acid with dissimilar properties. This amino acid position is not well conserved in available vertebrate species. In addition, the in silico prediction for this alteration is inconclusive. Since supporting evidence is limited at this time, the clinical significance of this alteration remains unclear.

NM_144997.7(FLCN):c.1019C>G (p.Pro340Arg)

Gene: FLCN (folliculin; minus strand). Cytogenetic location: 17p11.2.
Variant type: single nucleotide variant.
Coding change: c.1019C>G on transcript NM_144997.7 (MANE Select); coding-DNA position 1019, C replaced by G.
Protein change: p.Pro340Arg; replaces proline 340 with arginine.
Molecular consequence: missense variant.
Genome position (GRCh38, 1-based): chr17:17,219,062, G>C on the plus strand (C>G on the coding strand, the complement: FLCN is on the minus strand). VCF-style: chr17-17219062-G-C. GRCh37 (hg19) VCF-style: chr17-17122376-G-C.
Other names: c.1073C>G, p.Pro358Arg (NM_001353229.2); c.1019C>G, p.Pro340Arg (NM_001353230.2, NM_001353231.2); short protein forms P358R, P340R.
Identifiers: ClinVar variation 2586504 (VCV002586504.2), dbSNP rs2047008686, ClinGen allele CA398532728.
Genomic context (GRCh38, chr17:17,219,062, plus strand): 5'-GTGCCCCTGCCGCCTACCTGCCTCATGTGCCGGAGGGACTTGAAGACTGGCAGCTTCCGG[G>C]GCTGCCAGCTCCCACAGCCTGAGAGAGAGGAGGACTCTGCCGGGCCCTGGGTCAGCTCCC-3'
Protein context (NP_659434.2, residues 330-350): SSLSGCGSWQ[Pro340Arg]RKLPVFKSLR